The following is an entry in ClinVar:

NM_003998.4(NFKB1):c.1210+3A>G

Gene: NFKB1 (nuclear factor kappa B subunit 1; plus strand). Cytogenetic location: 4q24.
Variant type: single nucleotide variant.
Coding change: c.1210+3A>G on transcript NM_003998.4 (MANE Select); 3 bases into the intron after coding-DNA position 1210, A replaced by G.
Molecular consequence: intron variant.
Genome position (GRCh38, 1-based): chr4:102,593,571, A>G. VCF-style: chr4-102593571-A-G. GRCh37 (hg19) VCF-style: chr4-103514728-A-G.
Other names: c.1210+3A>G (NM_001382626.1, NM_001382625.1); c.1207+3A>G (NM_001382627.1, NM_001165412.2, NM_001319226.2); c.1168+3A>G (NM_001382628.1).
Identifiers: ClinVar variation 2001962 (VCV002001962.5), dbSNP rs2476487688, ClinGen allele CA2580071563.

ClinVar aggregate classification (germline): Uncertain significance. Review status: criteria provided, multiple submitters, no conflicts (2 of 4 stars). 2 submissions from 2 submitters: Uncertain significance (2). Last evaluated 2024-08-08.

Allele frequency attached by ClinVar (database versions not stated): gnomAD exomes below 0.00001.
gnomAD v4.1: 1 of 1,607,898 alleles (0.000062%); highest among the groups gnomAD compares: Non-Finnish European, 0.000085%; no homozygotes.

Submissions (2):

Blueprint Genetics
Classification: Uncertain significance. Last evaluated: 2024-08-08. Review status: criteria provided, single submitter. Criteria: ACMG Guidelines, 2015. Collection method: clinical testing. Allele origin: germline.

Labcorp Genetics (formerly Invitae), Labcorp
Classification: Uncertain significance. Last evaluated: 2022-06-02. Review status: criteria provided, single submitter. Criteria: Invitae Variant Classification Sherloc (09022015). Collection method: clinical testing. Allele origin: germline.
Comment: This sequence change falls in intron 12 of the NFKB1 gene. It does not directly change the encoded amino acid sequence of the NFKB1 protein. It affects a nucleotide within the consensus splice site. In summary, the available evidence is currently insufficient to determine the role of this variant in disease. Therefore, it has been classified as a Variant of Uncertain Significance. Variants that disrupt the consensus splice site are a relatively common cause of aberrant splicing (PMID: 17576681, 9536098). Algorithms developed to predict the effect of sequence changes on RNA splicing suggest that this variant may create or strengthen a splice site. This variant has not been reported in the literature in individuals affected with NFKB1-related conditions. This variant is not present in population databases (gnomAD no frequency).

Literature cited by the submitters: PubMed 17576681 (cited by Labcorp Genetics (formerly Invitae), Labcorp); PubMed 9536098 (cited by Labcorp Genetics (formerly Invitae), Labcorp).